The following is an entry in ClinVar:

NM_003741.4(CHRD):c.2640A>G (p.Pro880=)

Gene: CHRD (chordin; plus strand). Cytogenetic location: 3q27.1.
Variant type: single nucleotide variant.
Coding change: c.2640A>G on transcript NM_003741.4 (MANE Select); coding-DNA position 2640, A replaced by G.
Protein change: p.Pro880=; no amino-acid change (proline 880 retained).
Molecular consequence: synonymous variant. On other transcripts: non-coding transcript variant (1).
Genome position (GRCh38, 1-based): chr3:184,388,672, A>G. VCF-style: chr3-184388672-A-G. GRCh37 (hg19) VCF-style: chr3-184106460-A-G.
Other names: c.2640A>G, p.Pro880= (NM_001304472.2); c.1530A>G, p.Pro510= (NM_001304473.2, NM_001304474.2).
Identifiers: ClinVar variation 2654326 (VCV002654326.24), dbSNP rs141759205, ClinGen allele CA2736061.
Genomic context (GRCh38, chr3:184,388,672, plus strand): 5'-GGGGGACCCCATGCAGGCTGATGGGCCCCGGGGCTGCCGTTTTGCTGGGCAGTGGTTCCC[A>G]GAGAGTCAGAGCTGGCACCCCTCAGTGCCCCCTTTTGGAGAGATGAGCTGTATCACCTGC-3'
Protein context (NP_003732.2, residues 870-890): RGCRFAGQWF[Pro880=]ESQSWHPSVP

ClinVar aggregate classification (germline): Likely benign (1 of 4 stars; one submission).

Allele frequency attached by ClinVar (database versions not stated): ESP Exome Variant Server 0.00008; gnomAD 0.00002; ExAC 0.00003; TOPMed 0.00003.
gnomAD v4.1: 32 of 1,613,804 alleles (0.002%); highest among the groups gnomAD compares: Non-Finnish European, 0.0023%; no homozygotes.

Submission:

CeGaT Center for Human Genetics Tuebingen
Classification: Likely benign. Last evaluated: 2023-09-01. Review status: criteria provided, single submitter. Criteria: CeGaT Center For Human Genetics Tuebingen Variant Classification Criteria Version 2. Collection method: clinical testing. Allele origin: germline. Affected: yes. Observed: 1 variant allele.
Comment: CHRD: BP4, BP7